The following is an entry in ClinVar:

NM_173651.4(FSIP2):c.10014A>C (p.Leu3338=)

Genes: FSIP2 (fibrous sheath interacting protein 2; plus strand), FSIP2-AS1 (FSIP2 antisense RNA 1; minus strand). Cytogenetic location: 2q32.1.
Variant type: single nucleotide variant.
Coding change: c.10014A>C on transcript NM_173651.4 (MANE Select); coding-DNA position 10014, A replaced by C.
Protein change: p.Leu3338=; no amino-acid change (leucine 3338 retained).
Molecular consequence: synonymous variant.
Genome position (GRCh38, 1-based): chr2:185,797,150, A>C. VCF-style: chr2-185797150-A-C. GRCh37 (hg19) VCF-style: chr2-186661877-A-C.
Other names: NC_000002.11:g.186661877A>C.
Identifiers: ClinVar variation 3044487 (VCV003044487.3), dbSNP rs182519742, ClinGen allele CA2016892.
Genomic context (GRCh38, chr2:185,797,150, plus strand): 5'-GACAACCATTTCCCCTCTCAAAATATGTTTAGCTGCAGAAAATATTGTCAATACTGTGCT[A>C]TCCAGCTGTGGCTTTCCAAGTCAACCACACACTAATGAGAACAGGGAAATAATGAAACCA-3'
Protein context (NP_775922.3, residues 3328-3348): LAAENIVNTV[Leu3338=]SSCGFPSQPH

ClinVar aggregate classification (germline): Likely benign (0 of 4 stars; one submission).

Conditions:
FSIP2-related disorder. Also called: FSIP2-related condition.

Allele frequency attached by ClinVar (database versions not stated): 1000 Genomes Project 0.00120; 1000 Genomes Project 30x 0.00156; TOPMed 0.00341; gnomAD 0.00360; gnomAD exomes 0.00507; ExAC 0.00588.
gnomAD v4.1: 7,489 of 1,535,010 alleles (0.49%); highest among the groups gnomAD compares: South Asian, 0.57%; 28 homozygotes.

Submissions (3):

PreventionGenetics, part of Exact Sciences
Classification: Likely benign for FSIP2-related condition. Last evaluated: 2019-02-21. Review status: no assertion criteria provided. Collection method: clinical testing. Allele origin: germline.
Comment: This variant is classified as likely benign based on ACMG/AMP sequence variant interpretation guidelines (Richards et al. 2015 PMID: 25741868, with internal and published modifications).

Dr. Peter K. Rogan Lab, Western University
No classification provided (evidence only). Condition: Acute myeloid leukemia. Review status: no classification provided. Collection method: in vitro. Allele origin: not applicable. Functional consequence: retained intron. Not counted in ClinVar's aggregate classification.

Dr. Peter K. Rogan Lab, Western University
No classification provided (evidence only). Condition: Thymoma. Review status: no classification provided. Collection method: in vitro. Allele origin: not applicable. Functional consequence: skipped exon. Not counted in ClinVar's aggregate classification.